The following is an entry in ClinVar:

NM_005461.5(MAFB):c.6C>T (p.Ala2=)

Gene: MAFB (MAF bZIP transcription factor B; minus strand). Cytogenetic location: 20q12.
Variant type: single nucleotide variant.
Coding change: c.6C>T on transcript NM_005461.5 (MANE Select); coding-DNA position 6, C replaced by T.
Protein change: p.Ala2=; no amino-acid change (alanine 2 retained).
Molecular consequence: synonymous variant.
Genome position (GRCh38, 1-based): chr20:40,688,845, G>A on the plus strand (C>T on the coding strand, the complement: MAFB is on the minus strand). VCF-style: chr20-40688845-G-A. GRCh37 (hg19) VCF-style: chr20-39317485-G-A.
Identifiers: ClinVar variation 1913159 (VCV001913159.7), dbSNP rs375342321, ClinGen allele CA9857856.

ClinVar aggregate classification (germline): Likely benign. Review status: criteria provided, single submitter (1 of 4 stars). 2 submissions from 2 submitters: Likely benign (1). 1 of the submissions does not count toward it. Last evaluated 2023-08-04.

Conditions:
MAFB-related disorder. Also called: MAFB-related condition.

Allele frequency attached by ClinVar (database versions not stated): TOPMed below 0.00001; ExAC 0.00001; gnomAD exomes 0.00001; gnomAD 0.00002; ESP Exome Variant Server 0.00008.

Submissions (2):

Labcorp Genetics (formerly Invitae), Labcorp
Classification: Likely benign. Last evaluated: 2023-08-04. Review status: criteria provided, single submitter. Criteria: Invitae Variant Classification Sherloc (09022015). Collection method: clinical testing. Allele origin: germline.

PreventionGenetics, part of Exact Sciences
Classification: Likely benign for MAFB-related condition. Last evaluated: 2022-06-09. Review status: no assertion criteria provided. Collection method: clinical testing. Allele origin: germline. Not counted in ClinVar's aggregate classification.
Comment: This variant is classified as likely benign based on ACMG/AMP sequence variant interpretation guidelines (Richards et al. 2015 PMID: 25741868, with internal and published modifications).